The following is an entry in ClinVar:

NM_000038.6(APC):c.3364A>G (p.Asn1122Asp)

Gene: APC (APC regulator of Wnt signaling pathway; plus strand). Cytogenetic location: 5q22.2.
Variant type: single nucleotide variant.
Coding change: c.3364A>G on transcript NM_000038.6 (MANE Select); coding-DNA position 3364, A replaced by G.
Protein change: p.Asn1122Asp; replaces asparagine 1122 with aspartic acid.
Molecular consequence: missense variant.
Genome position (GRCh38, 1-based): chr5:112,838,958, A>G. VCF-style: chr5-112838958-A-G. GRCh37 (hg19) VCF-style: chr5-112174655-A-G.
Other names: c.3364A>G, p.Asn1122Asp (NM_001127510.3, NM_001354895.2); c.3310A>G, p.Asn1104Asp (NM_001127511.3); c.3418A>G, p.Asn1140Asp (NM_001354896.2); c.3394A>G, p.Asn1132Asp (NM_001354897.2); c.3289A>G, p.Asn1097Asp (NM_001354898.2); c.3280A>G, p.Asn1094Asp (NM_001354899.2); c.3241A>G, p.Asn1081Asp (NM_001354900.2); c.3187A>G, p.Asn1063Asp (NM_001354901.2); and 5 more; short protein forms N1021D, N1063D, N1094D, N1104D, N1140D, N1081D, N1132D, N839D.
Identifiers: ClinVar variation 823669 (VCV000823669.5), dbSNP rs1554084967, ClinGen allele CA16028702.

ClinVar aggregate classification (germline): Uncertain significance (1 of 4 stars; one submission).

Conditions:
Hereditary cancer-predisposing syndrome. Also called: Neoplastic Syndromes, Hereditary; Tumor predisposition; Hereditary neoplastic syndrome; Hereditary Cancer Syndrome. Identifiers: Orphanet 140162, MedGen C0027672, MeSH D009386, MONDO:0015356.

Submission:

Ambry Genetics
Classification: Uncertain significance for Hereditary cancer-predisposing syndrome. Last evaluated: 2023-08-04. Review status: criteria provided, single submitter. Criteria: Ambry Variant Classification Scheme 2023. Collection method: clinical testing. Allele origin: germline.
Comment: The p.N1122D variant (also known as c.3364A>G), located in coding exon 15 of the APC gene, results from an A to G substitution at nucleotide position 3364. The asparagine at codon 1122 is replaced by aspartic acid, an amino acid with highly similar properties. This amino acid position is highly conserved in available vertebrate species. In addition, in silico predictors for this gene do not accurately predict pathogenicity. Since supporting evidence is limited at this time, the clinical significance of this alteration remains unclear.